The following is an entry in ClinVar:

NM_020975.6(RET):c.58C>T (p.Pro20Ser)

Gene: RET (ret proto-oncogene; plus strand). Cytogenetic location: 10q11.21.
Variant type: single nucleotide variant.
Coding change: c.58C>T on transcript NM_020975.6 (MANE Select); coding-DNA position 58, C replaced by T.
Protein change: p.Pro20Ser; replaces proline 20 with serine.
Molecular consequence: missense variant.
Genome position (GRCh38, 1-based): chr10:43,077,316, C>T. VCF-style: chr10-43077316-C-T. GRCh37 (hg19) VCF-style: chr10-43572764-C-T.
Other names: c.58C>T, p.Pro20Ser (NM_000323.2, NM_001406743.1, NM_001406744.1 and 38 more transcripts); short protein forms P20S.
Identifiers: ClinVar variation 543729 (VCV000543729.17), dbSNP rs1205904653, ClinGen allele CA376768100.

ClinVar aggregate classification (germline): Uncertain significance. Review status: criteria provided, multiple submitters, no conflicts (2 of 4 stars). 3 submissions from 3 submitters: Uncertain significance (3). Last evaluated 2026-01-06.

Conditions:
Hereditary cancer-predisposing syndrome. Also called: Neoplastic Syndromes, Hereditary; Hereditary Cancer Syndrome; Hereditary neoplastic syndrome; Tumor predisposition. Identifiers: Orphanet 140162, MedGen C0027672, MeSH D009386, MONDO:0015356.
Multiple endocrine neoplasia, type 2 (MEN2). Identifiers: Orphanet 653, MedGen C4048306, MONDO:0019003. Disease mechanism: gain of function.

Allele frequency attached by ClinVar (database versions not stated): gnomAD exomes 0.00001.
gnomAD v4.1: 18 of 1,511,648 alleles (0.0012%); highest among the groups gnomAD compares: Non-Finnish European, 0.0016%; no homozygotes.

Submissions (3):

Labcorp Genetics (formerly Invitae), Labcorp
Classification: Uncertain significance for Multiple endocrine neoplasia, type 2. Last evaluated: 2026-01-06. Review status: criteria provided, single submitter. Criteria: Invitae Variant Classification Sherloc (09022015). Collection method: clinical testing. Allele origin: germline.
Comment: This sequence change replaces proline, which is neutral and non-polar, with serine, which is neutral and polar, at codon 20 of the RET protein (p.Pro20Ser). This variant is not present in population databases (gnomAD no frequency). This variant has not been reported in the literature in individuals affected with RET-related conditions. ClinVar contains an entry for this variant (Variation ID: 543729). An algorithm developed to predict the effect of missense changes on protein structure and function (PolyPhen-2) suggests that this variant is likely to be disruptive. In summary, the available evidence is currently insufficient to determine the role of this variant in disease. Therefore, it has been classified as a Variant of Uncertain Significance.

Ambry Genetics
Classification: Uncertain significance for Hereditary cancer-predisposing syndrome. Last evaluated: 2024-03-28. Review status: criteria provided, single submitter. Criteria: Ambry Variant Classification Scheme 2023. Collection method: clinical testing. Allele origin: germline.
Comment: The p.P20S variant (also known as c.58C>T), located in coding exon 1 of the RET gene, results from a C to T substitution at nucleotide position 58. The proline at codon 20 is replaced by serine, an amino acid with similar properties. This amino acid position is well conserved in available vertebrate species. In addition, the in silico prediction for this alteration is inconclusive. Since supporting evidence is limited at this time, the clinical significance of this alteration remains unclear.

All of Us Research Program, National Institutes of Health
Classification: Uncertain significance for Multiple endocrine neoplasia, type 2. Last evaluated: 2023-12-13. Review status: criteria provided, single submitter. Criteria: ACMG Guidelines, 2015. Collection method: clinical testing. Allele origin: germline. Inheritance: Autosomal dominant inheritance. Observed: 1 variant allele, 1 heterozygote.
Comment: This missense variant replaces proline with serine at codon 20 of the RET protein. Computational prediction suggests that this variant may not impact protein structure and function (internally defined REVEL score threshold <= 0.5, PMID: 27666373). To our knowledge, functional studies have not been reported for this variant. This variant has not been reported in individuals affected with RET-related disorders in the literature. This variant has not been identified in the general population by the Genome Aggregation Database (gnomAD). The available evidence is insufficient to determine the role of this variant in disease conclusively. Therefore, this variant is classified as a Variant of Uncertain Significance.

This study involves interpretation of variants in research participants for the purpose of population health screening. Participant phenotype was not available at the time of variant classification. Additional details can be found in publication PMID: 35346344, PMCID: PMC8962531